The following is an entry in ClinVar:

NM_152730.6(TBC1D32):c.3261T>C (p.Phe1087=)

Gene: TBC1D32 (TBC1 domain family member 32; minus strand). Cytogenetic location: 6q22.31.
Variant type: single nucleotide variant.
Coding change: c.3261T>C on transcript NM_152730.6 (MANE Select); coding-DNA position 3261, T replaced by C.
Protein change: p.Phe1087=; no amino-acid change (phenylalanine 1087 retained).
Molecular consequence: synonymous variant. On other transcripts: non-coding transcript variant (1).
Genome position (GRCh38, 1-based): chr6:121,112,568, A>G on the plus strand (T>C on the coding strand, the complement: TBC1D32 is on the minus strand). VCF-style: chr6-121112568-A-G. GRCh37 (hg19) VCF-style: chr6-121433714-A-G.
Other names: c.3384T>C, p.Phe1128= (NM_001367759.1, NM_001367760.1).
Identifiers: ClinVar variation 5039444 (VCV005039444.1).

ClinVar aggregate classification (germline): Likely benign (1 of 4 stars; one submission).

gnomAD v4.1: 152 of 1,611,408 alleles (0.0094%); highest among the groups gnomAD compares: East Asian, 0.33%; no homozygotes.

Submission:

CeGaT Center for Human Genetics Tuebingen
Classification: Likely benign. Last evaluated: 2026-08-01. Review status: criteria provided, single submitter. Criteria: CeGaT Center For Human Genetics Tuebingen Variant Classification Criteria Version 2. Collection method: clinical testing. Allele origin: germline. Affected: yes. Observed: 1 variant allele.
Comment: TBC1D32: BP4, BP7